The following is an entry in ClinVar:

ClinVar aggregate classification (germline): Uncertain significance (1 of 4 stars; one submission).

Submission:

GeneDx
Classification: Uncertain significance. Last evaluated: 2025-03-04. Review status: criteria provided, single submitter. Criteria: GeneDx Variant Classification Process June 2021. Collection method: clinical testing. Allele origin: germline.
Comment: Not observed at significant frequency in large population cohorts (gnomAD); In silico analysis indicates that this variant does not alter protein structure/function; Has not been previously published as pathogenic or benign to our knowledge

NM_015340.4(LARS2):c.1453_1455delinsACA (p.Ala485Thr)

Genes: LARS2-AS1 (LARS2 antisense RNA 1; minus strand), LARS2 (leucyl-tRNA synthetase 2, mitochondrial; plus strand). Cytogenetic location: 3p21.31.
Variant type: Indel.
Coding change: c.1453_1455delinsACA on transcript NM_015340.4 (MANE Select); coding-DNA positions 1453 to 1455, GCG replaced by ACA.
Protein change: p.Ala485Thr; replaces alanine 485 with threonine.
Molecular consequence: missense variant.
Genome position (GRCh38, 1-based): chr3:45,491,730-45,491,732, GCG replaced by ACA. VCF-style: chr3-45491730-GCG-ACA. GRCh37 (hg19) VCF-style: chr3-45533222-GCG-ACA.
Other names: c.1453_1455delinsACA, p.Ala485Thr (NM_001368263.1); short protein forms A485T.
Identifiers: ClinVar variation 1712533 (VCV001712533.3), dbSNP rs2529021110, ClinGen allele CA2580069892.